The following is an entry in ClinVar:

NM_152672.6(SLC51A):c.217G>A (p.Val73Ile)

Gene: SLC51A (solute carrier family 51 member A; plus strand). Cytogenetic location: 3q29.
Variant type: single nucleotide variant.
Coding change: c.217G>A on transcript NM_152672.6 (MANE Select); coding-DNA position 217, G replaced by A.
Protein change: p.Val73Ile; replaces valine 73 with isoleucine.
Molecular consequence: missense variant.
Genome position (GRCh38, 1-based): chr3:196,227,048, G>A. VCF-style: chr3-196227048-G-A. GRCh37 (hg19) VCF-style: chr3-195953919-G-A.
Other names: short protein forms V73I.
Identifiers: ClinVar variation 2369965 (VCV002369965.4), dbSNP rs138726787, ClinGen allele CA2778971.
Genomic context (GRCh38, chr3:196,227,048, plus strand): 5'-CTCACTAGCATCCTGACCTTGCTGGCGCTGGGCTCCATTGCCATCTTCCTGGAGGATGCC[G>A]TCTACCTGTACAAGAACACCCTTTGCCCCATCAAGAGGCGGACTCTGCTCTGGAAGAGCT-3'
Protein context (NP_689885.4, residues 63-83): GSIAIFLEDA[Val73Ile]YLYKNTLCPI

ClinVar aggregate classification (germline): Uncertain significance. Review status: criteria provided, multiple submitters, no conflicts (2 of 4 stars). 2 submissions from 2 submitters: Uncertain significance (2). Last evaluated 2026-04-04.

Conditions:
SLC51A-related disorder. Also called: SLC51A-related condition.

Allele frequency attached by ClinVar (database versions not stated): gnomAD exomes 0.00004; gnomAD 0.00005; ExAC 0.00007; TOPMed 0.00012; ESP Exome Variant Server 0.00015.
gnomAD v4.1: 68 of 1,613,962 alleles (0.0042%); highest among the groups gnomAD compares: Admixed American, 0.035%; no homozygotes.

Submissions (2):

PreventionGenetics, part of Exact Sciences
Classification: Uncertain significance for SLC51A-related condition. Last evaluated: 2026-04-04. Review status: criteria provided, single submitter. Criteria: ACMG Guidelines, 2015. Collection method: clinical testing. Allele origin: germline.
Comment: The SLC51A c.217G>A variant is predicted to result in the amino acid substitution p.Val73Ile. To our knowledge, this variant has not been reported in the literature. This variant is reported in 0.045% of alleles in individuals of Latino descent in gnomAD. At this time, the clinical significance of this variant is uncertain due to the absence of conclusive functional and genetic evidence.

Ambry Genetics
Classification: Uncertain significance. Last evaluated: 2024-11-25. Review status: criteria provided, single submitter. Criteria: Ambry Variant Classification Scheme 2023. Collection method: clinical testing. Allele origin: germline.